The following is an entry in ClinVar:

NM_001903.5(CTNNA1):c.1983T>A (p.Asp661Glu)

Gene: CTNNA1 (catenin alpha 1; plus strand). Cytogenetic location: 5q31.2.
Variant type: single nucleotide variant.
Coding change: c.1983T>A on transcript NM_001903.5 (MANE Select); coding-DNA position 1983, T replaced by A.
Protein change: p.Asp661Glu; replaces aspartic acid 661 with glutamic acid.
Molecular consequence: missense variant.
Genome position (GRCh38, 1-based): chr5:138,929,329, T>A. VCF-style: chr5-138929329-T-A. GRCh37 (hg19) VCF-style: chr5-138265018-T-A.
Other names: c.1983T>A, p.Asp661Glu (NM_001290307.3, NM_001323982.2, NM_001323983.1 and 2 more transcripts); c.1674T>A, p.Asp558Glu (NM_001290309.3); c.1614T>A, p.Asp538Glu (NM_001290310.3); c.873T>A, p.Asp291Glu (NM_001290312.1, NM_001323987.1, NM_001323988.1 and 17 more transcripts); c.1890T>A, p.Asp630Glu (NM_001323986.2); c.534T>A, p.Asp178Glu (NM_001324006.1, NM_001324007.1, NM_001324008.1 and 2 more transcripts); c.780T>A, p.Asp260Glu (NM_001324011.1); c.630T>A, p.Asp210Glu (NM_001324012.1, NM_001324013.1); short protein forms D630E, D260E, D558E, D661E, D210E, D291E, D178E, D538E.
Identifiers: ClinVar variation 949773 (VCV000949773.9), dbSNP rs1764808534, ClinGen allele CA361132868.

ClinVar aggregate classification (germline): Uncertain significance (1 of 4 stars; one submission).

Submission:

Labcorp Genetics (formerly Invitae), Labcorp
Classification: Uncertain significance. Last evaluated: 2019-11-08. Review status: criteria provided, single submitter. Criteria: Invitae Variant Classification Sherloc (09022015). Collection method: clinical testing. Allele origin: germline.
Comment: This variant is not present in population databases (ExAC no frequency). This sequence change replaces aspartic acid with glutamic acid at codon 661 of the CTNNA1 protein (p.Asp661Glu). The aspartic acid residue is highly conserved and there is a small physicochemical difference between aspartic acid and glutamic acid. In summary, the available evidence is currently insufficient to determine the role of this variant in disease. Therefore, it has been classified as a Variant of Uncertain Significance. Algorithms developed to predict the effect of missense changes on protein structure and function are either unavailable or do not agree on the potential impact of this missense change (SIFT: "Deleterious"; PolyPhen-2: "Benign"; Align-GVGD: "Class C0"). This variant has not been reported in the literature in individuals with CTNNA1-related conditions.